The following is an entry in ClinVar:

NM_024675.4(PALB2):c.1303G>A (p.Val435Ile)

Gene: PALB2 (partner and localizer of BRCA2; minus strand). Cytogenetic location: 16p12.2.
Variant type: single nucleotide variant.
Coding change: c.1303G>A on transcript NM_024675.4 (MANE Select); coding-DNA position 1303, G replaced by A.
Protein change: p.Val435Ile; replaces valine 435 with isoleucine.
Molecular consequence: missense variant.
Genome position (GRCh38, 1-based): chr16:23,635,243, C>T on the plus strand (G>A on the coding strand, the complement: PALB2 is on the minus strand). VCF-style: chr16-23635243-C-T. GRCh37 (hg19) VCF-style: chr16-23646564-C-T.
Other names: short protein forms V435I.
Identifiers: ClinVar variation 420495 (VCV000420495.18), dbSNP rs1064794517, ClinGen allele CA16620148.

ClinVar aggregate classification (germline): Uncertain significance. Review status: criteria provided, multiple submitters, no conflicts (2 of 4 stars). 3 submissions from 3 submitters: Uncertain significance (3). Last evaluated 2025-12-03.

Conditions:
Hereditary cancer-predisposing syndrome. Also called: Hereditary neoplastic syndrome; Tumor predisposition; Neoplastic Syndromes, Hereditary; Hereditary Cancer Syndrome. Identifiers: Orphanet 140162, MedGen C0027672, MeSH D009386, MONDO:0015356.
Familial cancer of breast. Also called: Hereditary breast cancer; BREAST CANCER, FAMILIAL; hereditary breast carcinoma. Identifiers: Orphanet 227535, MedGen C0346153, MONDO:0016419, OMIM 114480. Disease mechanism: loss of function.

Submissions (3):

Labcorp Genetics (formerly Invitae), Labcorp
Classification: Uncertain significance for Familial cancer of breast. Last evaluated: 2025-12-03. Review status: criteria provided, single submitter. Criteria: Invitae Variant Classification Sherloc (09022015). Collection method: clinical testing. Allele origin: germline.
Comment: This sequence change replaces valine, which is neutral and non-polar, with isoleucine, which is neutral and non-polar, at codon 435 of the PALB2 protein (p.Val435Ile). This variant is not present in population databases (gnomAD no frequency). This variant has not been reported in the literature in individuals affected with PALB2-related conditions. ClinVar contains an entry for this variant (Variation ID: 420495). Invitae Evidence Modeling of protein sequence and biophysical properties (such as structural, functional, and spatial information, amino acid conservation, physicochemical variation, residue mobility, and thermodynamic stability) indicates that this missense variant is not expected to disrupt PALB2 protein function with a negative predictive value of 80%. In summary, the available evidence is currently insufficient to determine the role of this variant in disease. Therefore, it has been classified as a Variant of Uncertain Significance.

Ambry Genetics
Classification: Uncertain significance for Hereditary cancer-predisposing syndrome. Last evaluated: 2025-10-30. Review status: criteria provided, single submitter. Criteria: Ambry Variant Classification Scheme 2023. Collection method: clinical testing. Allele origin: germline.
Comment: The p.V435I variant (also known as c.1303G>A), located in coding exon 4 of the PALB2 gene, results from a G to A substitution at nucleotide position 1303. The valine at codon 435 is replaced by isoleucine, an amino acid with highly similar properties. This amino acid position is poorly conserved in available vertebrate species. In addition, this alteration is predicted to be tolerated by in silico analysis. Since supporting evidence is limited at this time, the clinical significance of this alteration remains unclear.

GeneDx
Classification: Uncertain significance. Last evaluated: 2018-05-04. Review status: criteria provided, single submitter. Criteria: GeneDx Variant Classification (06012015). Collection method: clinical testing. Allele origin: germline. Affected: yes.
Comment: This variant is denoted PALB2 c.1303G>A at the cDNA level, p.Val435Ile (V435I) at the protein level, and results in the change of a Valine to an Isoleucine (GTC>ATC). This variant has not, to our knowledge, been published in the literature as pathogenic or benign. PALB2 Val435Ile was not observed in large population cohorts (Lek 2016). This variant is located in the Chromatin-associated motif (ChAM) (Bleuyard 2012). In silico analysis, which includes protein predictors and evolutionary conservation, supports that this variant does not alter protein structure/function. Based on currently available evidence, it is unclear whether PALB2 Val435Ile is a pathogenic or benign variant. We consider it to be a variant of uncertain significance.